The following is an entry in ClinVar:

NM_001042413.2(GLIS3):c.1536C>A (p.Asp512Glu)

Gene: GLIS3 (GLIS family zinc finger 3; minus strand). Cytogenetic location: 9p24.2.
Variant type: single nucleotide variant.
Coding change: c.1536C>A on transcript NM_001042413.2 (MANE Select); coding-DNA position 1536, C replaced by A.
Protein change: p.Asp512Glu; replaces aspartic acid 512 with glutamic acid.
Molecular consequence: missense variant.
Genome position (GRCh38, 1-based): chr9:4,117,942, G>T on the plus strand (C>A on the coding strand, the complement: GLIS3 is on the minus strand). VCF-style: chr9-4117942-G-T. GRCh37 (hg19) VCF-style: chr9-4117942-G-T.
Other names: c.1071C>A, p.Asp357Glu (NM_152629.4); short protein forms D512E, D357E.
Identifiers: ClinVar variation 129158 (VCV000129158.57), dbSNP rs148199056, ClinGen allele CA152985.

ClinVar aggregate classification (germline): Benign. Review status: criteria provided, multiple submitters, no conflicts (2 of 4 stars). 11 submissions from 11 submitters: Benign (9). 2 of the submissions do not count toward it. Last evaluated 2026-06-01.

Conditions:
Monogenic diabetes. Identifiers: Orphanet 183625, MedGen C3888631, MONDO:0015967.
Diabetes mellitus. Also called: Diabetes mellitus (disease). Identifiers: MedGen C0011849, MONDO:0005015, HP:0000819.
Neonatal diabetes mellitus with congenital hypothyroidism. Also called: NDH SYNDROME. Identifiers: Orphanet 79118, MedGen C1857775, MONDO:0012436, OMIM 610199.

Allele frequency attached by ClinVar (database versions not stated): 1000 Genomes Project 30x 0.00734; 1000 Genomes Project 0.00839; TOPMed 0.01105; ESP Exome Variant Server 0.01315; gnomAD 0.01645.
gnomAD v4.1: 27,082 of 1,614,060 alleles (1.7%); highest among the groups gnomAD compares: South Asian, 2.5%; 303 homozygotes.

Submissions (11):

CeGaT Center for Human Genetics Tuebingen
Classification: Benign. Last evaluated: 2026-06-01. Review status: criteria provided, single submitter. Criteria: CeGaT Center For Human Genetics Tuebingen Variant Classification Criteria Version 2. Collection method: clinical testing. Allele origin: germline. Affected: yes. Observed: 16 variant alleles.
Comment: GLIS3: BP4, BS1, BS2

Labcorp Genetics (formerly Invitae), Labcorp
Classification: Benign. Last evaluated: 2026-01-28. Review status: criteria provided, single submitter. Criteria: Invitae Variant Classification Sherloc (09022015). Collection method: clinical testing. Allele origin: germline.

GeneDx
Classification: Benign. Last evaluated: 2021-04-19. Review status: criteria provided, single submitter. Criteria: GeneDx Variant Classification Process June 2021. Collection method: clinical testing. Allele origin: germline. Affected: yes.
Comment: This variant is associated with the following publications: (PMID: 28444304, 31415576)

Personalized Diabetes Medicine Program, University of Maryland School of Medicine
Classification: Benign for Monogenic diabetes. Last evaluated: 2018-08-10. Review status: criteria provided, single submitter. Criteria: ACMG Guidelines, 2015. Collection method: research. Allele origin: unknown. Observed: 4 variant alleles, 4 heterozygotes.
Comment: ACMG criteria: (REVEL = 0.123, PP3/3 predictors, BP4,7 predictors = conflicting evidence, not using), BA1 (1.7% overall MAF in gnomAD; 3.97% in EF, 2% in SA and ENF pop), BS2 (58 homozygotes in gnomAD)=benign

Illumina Laboratory Services, Illumina
Classification: Benign for Neonatal diabetes mellitus with congenital hypothyroidism. Last evaluated: 2018-01-12. Review status: criteria provided, single submitter. Criteria: ICSL Variant Classification Criteria 13 December 2019. Collection method: clinical testing. Allele origin: germline.
Comment: This variant was observed in the ICSL laboratory as part of a predisposition screen in an ostensibly healthy population. It had not been previously curated by ICSL or reported in the Human Gene Mutation Database (HGMD: prior to June 1st, 2018), and was therefore a candidate for classification through an automated scoring system. Utilizing variant allele frequency, disease prevalence and penetrance estimates, and inheritance mode, an automated score was calculated to assess if this variant is too frequent to cause the disease. Based on the score and internal cut-off values, a variant classified as benign is not then subjected to further curation. The score for this variant resulted in a classification of benign for this disease.

Eurofins Ntd Llc (ga)
Classification: Benign. Last evaluated: 2016-10-18. Review status: criteria provided, single submitter. Criteria: EGL Classification Definitions 2015. Collection method: clinical testing. Allele origin: germline. Observed: 1 variant allele, 1 heterozygote.

Genetic Services Laboratory, University of Chicago
Classification: Benign for AllHighlyPenetrant. Last evaluated: 2013-12-04. Review status: criteria provided, single submitter. Criteria: ACMG Guidelines, 2007. Collection method: clinical testing. Allele origin: germline. Inheritance: Autosomal recessive inheritance.

Breakthrough Genomics
Classification: Benign. Review status: criteria provided, single submitter. Criteria: ACMG Guidelines, 2015. Collection method: not provided. Allele origin: germline. Inheritance: Autosomal recessive inheritance. Affected: yes.

Clinical Genomics, Uppaluri K&H Personalized Medicine Clinic
Classification: Benign for Diabetes mellitus. Review status: criteria provided, single submitter. Criteria: K&H Uppaluri Personalized Medicine Clinic Variant Classification & Assertion Criteria. Collection method: research. Allele origin: somatic. Affected: yes.
Comment: Mutations in GLIS3 gene predisposes to neonatal diabetes mellitus with an extra pancreatic manifestation of hypothyroidism. rs148199056 (p.D512E) also predisposes to early onset diabetes in adults. However, Its significance in predisposition to MODY remains unclear.

Clinical Genetics, Academic Medical Center
Classification: Benign. Review status: no assertion criteria provided. Collection method: clinical testing. Allele origin: germline. Affected: yes. Study: VKGL Data-share Consensus. Not counted in ClinVar's aggregate classification.

Laboratory of Diagnostic Genome Analysis, Leiden University Medical Center (LUMC)
Classification: Benign. Review status: no assertion criteria provided. Collection method: clinical testing. Allele origin: germline. Affected: yes. Study: VKGL Data-share Consensus. Not counted in ClinVar's aggregate classification.

Literature cited by the submitters: PubMed 31415576 (cited by Clinical Genomics, Uppaluri K&H Personalized Medicine Clinic).